The following is an entry in ClinVar:

ClinVar aggregate classification (germline): Likely pathogenic (1 of 4 stars; one submission).

Conditions:
Sandhoff disease. Also called: Beta-hexosaminidase-beta-subunit deficiency; GM2 gangliosidosis, type 2; Total hexosaminidase deficiency; Sandhoff-Jatzkewitz-Pilz disease; GM2-GANGLIOSIDOSIS, TYPE II; HEXOSAMINIDASES A AND B DEFICIENCY. Identifiers: Orphanet 796, MedGen C0036161, MONDO:0010006, OMIM 268800.

Submission:

Labcorp Genetics (formerly Invitae), Labcorp
Classification: Likely pathogenic for Sandhoff disease. Last evaluated: 2021-05-13. Review status: criteria provided, single submitter. Criteria: Invitae Variant Classification Sherloc (09022015). Collection method: clinical testing. Allele origin: germline.
Comment: This sequence change affects a donor splice site in intron 9 of the HEXB gene. It is expected to disrupt RNA splicing. Variants that disrupt the donor or acceptor splice site typically lead to a loss of protein function (PMID: 16199547), and loss-of-function variants in HEXB are known to be pathogenic (PMID: 7550345, 18758829). This variant is not present in population databases (ExAC no frequency). This variant has not been reported in the literature in individuals with HEXB-related conditions. Algorithms developed to predict the effect of sequence changes on RNA splicing suggest that this variant may disrupt the consensus splice site, but this prediction has not been confirmed by published transcriptional studies. In summary, the currently available evidence indicates that the variant is pathogenic, but additional data are needed to prove that conclusively. Therefore, this variant has been classified as Likely Pathogenic.

Literature cited by the submitters: PubMed 16199547; PubMed 7550345; PubMed 18758829.

NM_000521.4(HEXB):c.1169+1G>C

Gene: HEXB (hexosaminidase subunit beta; plus strand). Cytogenetic location: 5q13.3.
Variant type: single nucleotide variant.
Coding change: c.1169+1G>C on transcript NM_000521.4 (MANE Select); the canonical splice donor site of the intron after coding-DNA position 1169, G replaced by C.
Molecular consequence: splice donor variant.
Genome position (GRCh38, 1-based): chr5:74,716,674, G>C. VCF-style: chr5-74716674-G-C. GRCh37 (hg19) VCF-style: chr5-74012499-G-C.
Other names: c.494+1G>C (NM_001292004.2).
Identifiers: ClinVar variation 1493334 (VCV001493334.8), dbSNP rs2112177192, ClinGen allele CA360069341.
Genomic context (GRCh38, chr5:74,716,674, plus strand): 5'-CATGAGGCAAAAAGGCTTTGGCACAGATTTTAAGAAACTAGAATCTTTCTACATTCAAAA[G>C]TAAGTTGTTTGAAAGCCTATTTCTGTATTAATGCTTTTTGTAAAAGTTTATTTAGTAATG-3'